The following is an entry in ClinVar:

ClinVar aggregate classification (germline): Uncertain significance. Review status: criteria provided, multiple submitters, no conflicts (2 of 4 stars). 2 submissions from 2 submitters: Uncertain significance (2). Last evaluated 2026-08-17.

Conditions:
Inborn genetic diseases. Identifiers: MedGen C0950123, MeSH D030342.
Charcot-Marie-Tooth disease dominant intermediate C (CMTDIC). Also called: CHARCOT-MARIE-TOOTH NEUROPATHY, DOMINANT INTERMEDIATE C. Identifiers: Orphanet 100045, MedGen C1842237, MONDO:0012012, OMIM 608323.

Submissions (2):

Ambry Genetics
Classification: Uncertain significance for Inborn genetic diseases. Last evaluated: 2026-08-17. Review status: criteria provided, single submitter. Criteria: Ambry Variant Classification Scheme 2023. Collection method: clinical testing. Allele origin: germline.

Labcorp Genetics (formerly Invitae), Labcorp
Classification: Uncertain significance for Charcot-Marie-Tooth disease dominant intermediate C. Last evaluated: 2025-02-08. Review status: criteria provided, single submitter. Criteria: Invitae Variant Classification Sherloc (09022015). Collection method: clinical testing. Allele origin: germline.
Comment: This sequence change replaces leucine, which is neutral and non-polar, with valine, which is neutral and non-polar, at codon 136 of the YARS protein (p.Leu136Val). This variant is not present in population databases (gnomAD no frequency). This variant has not been reported in the literature in individuals affected with YARS-related conditions. Invitae Evidence Modeling of protein sequence and biophysical properties (such as structural, functional, and spatial information, amino acid conservation, physicochemical variation, residue mobility, and thermodynamic stability) has been performed for this missense variant. However, the output from this modeling did not meet the statistical confidence thresholds required to predict the impact of this variant on YARS protein function. In summary, the available evidence is currently insufficient to determine the role of this variant in disease. Therefore, it has been classified as a Variant of Uncertain Significance.

NM_003680.4(YARS1):c.406C>G (p.Leu136Val)

Gene: YARS1 (tyrosyl-tRNA synthetase 1; minus strand). Cytogenetic location: 1p35.1.
Variant type: single nucleotide variant.
Coding change: c.406C>G on transcript NM_003680.4 (MANE Select); coding-DNA position 406, C replaced by G.
Protein change: p.Leu136Val; replaces leucine 136 with valine.
Molecular consequence: missense variant.
Genome position (GRCh38, 1-based): chr1:32,806,586, G>C on the plus strand (C>G on the coding strand, the complement: YARS1 is on the minus strand). VCF-style: chr1-32806586-G-C. GRCh37 (hg19) VCF-style: chr1-33272187-G-C.
Other names: short protein forms L136V.
Identifiers: ClinVar variation 4737489 (VCV004737489.2).